The following is an entry in ClinVar:

NM_000388.4(CASR):c.2204A>G (p.Gln735Arg)

Gene: CASR (calcium sensing receptor; plus strand). Cytogenetic location: 3q21.1.
Variant type: single nucleotide variant.
Coding change: c.2204A>G on transcript NM_000388.4 (MANE Select); coding-DNA position 2204, A replaced by G.
Protein change: p.Gln735Arg; replaces glutamine 735 with arginine.
Molecular consequence: missense variant.
Genome position (GRCh38, 1-based): chr3:122,284,158, A>G. VCF-style: chr3-122284158-A-G. GRCh37 (hg19) VCF-style: chr3-122003005-A-G.
Other names: c.2234A>G, p.Gln745Arg (NM_001178065.2); short protein forms Q735R, Q745R.
Identifiers: ClinVar variation 4526077 (VCV004526077.1).

ClinVar aggregate classification (germline): Uncertain significance (1 of 4 stars; one submission).

Submission:

Women's Health and Genetics/Laboratory Corporation of America, LabCorp
Classification: Uncertain significance. Last evaluated: 2025-07-29. Review status: criteria provided, single submitter. Criteria: LabCorp Variant Classification Summary - May 2015. Collection method: clinical testing. Allele origin: germline.
Comment: Variant summary: CASR c.2204A>G (p.Gln735Arg) results in a conservative amino acid change in the encoded protein sequence. Algorithms developed to predict the effect of missense changes on protein structure and function are either unavailable or do not agree on the potential impact of this missense change. The variant was absent in 250964 control chromosomes. The available data on variant occurrences in the general population are insufficient to allow any conclusion about variant significance. To our knowledge, no occurrence of c.2204A>G in individuals affected with Autosomal Dominant Hypocalcemia and no experimental evidence demonstrating its impact on protein function have been reported. No submitters have cited clinical-significance assessments for this variant to ClinVar. Based on the evidence outlined above, the variant was classified as uncertain significance.